The following is an entry in ClinVar:

NM_004360.5(CDH1):c.1009-10C>A

Gene: CDH1 (cadherin 1; plus strand). Cytogenetic location: 16q22.1.
Variant type: single nucleotide variant.
Coding change: c.1009-10C>A on transcript NM_004360.5 (MANE Select); 10 bases into the intron before coding-DNA position 1009, C replaced by A.
Molecular consequence: intron variant.
Genome position (GRCh38, 1-based): chr16:68,812,125, C>A. VCF-style: chr16-68812125-C-A. GRCh37 (hg19) VCF-style: chr16-68846028-C-A.
Other names: c.-607-10C>A (NM_001317185.2); c.-811-10C>A (NM_001317186.2); c.1009-10C>A (NM_001317184.2).
Identifiers: ClinVar variation 4688296 (VCV004688296.1).
Genomic context (GRCh38, chr16:68,812,125, plus strand): 5'-GTTGGGCTGGGCTAGGCCAAAGGTGGCTAGTGTTCCTGGTCCTGACTTGGTTGTGTCGAT[C>A]TCTCTGCAGAGTTTCCCTACGTATACCCTGGTGGTTCAAGCTGCTGACCTTCAAGGTGAG-3'

ClinVar aggregate classification (germline): Likely benign (1 of 4 stars; one submission).

Submission:

Women's Health and Genetics/Laboratory Corporation of America, LabCorp
Classification: Likely benign. Last evaluated: 2025-12-15. Review status: criteria provided, single submitter. Criteria: LabCorp Variant Classification Summary - May 2015. Collection method: clinical testing. Allele origin: germline.
Comment: Variant summary: CDH1 c.1009-10C>A alters a nucleotide located at a position not widely known to affect splicing. One computation tool predict no significant impact on normal splicing (TrAP). However, these predictions have yet to be confirmed by functional studies. The variant was absent in 251486 control chromosomes. The available data on variant occurrences in the general population are insufficient to allow any conclusion about variant significance. To our knowledge, no occurrence of c.1009-10C>A in individuals affected with CDH1-related conditions and no experimental evidence demonstrating its impact on protein function have been reported. No submitters have cited clinical-significance assessments for this variant to ClinVar. Based on the evidence outlined above, the variant was classified as likely benign.